The following is an entry in ClinVar:

ClinVar aggregate classification (germline): Uncertain significance (1 of 4 stars; one submission).

Submission:

Labcorp Genetics (formerly Invitae), Labcorp
Classification: Uncertain significance. Last evaluated: 2024-11-13. Review status: criteria provided, single submitter. Criteria: Invitae Variant Classification Sherloc (09022015). Collection method: clinical testing. Allele origin: germline.
Comment: This sequence change replaces alanine, which is neutral and non-polar, with serine, which is neutral and polar, at codon 483 of the RECQL protein (p.Ala483Ser). This variant also falls at the last nucleotide of exon 12, which is part of the consensus splice site for this exon. This variant is not present in population databases (gnomAD no frequency). This variant has not been reported in the literature in individuals affected with RECQL-related conditions. An algorithm developed to predict the effect of missense changes on protein structure and function outputs the following: PolyPhen-2: "Benign". The serine amino acid residue is found in multiple mammalian species, which suggests that this missense change does not adversely affect protein function. Variants that disrupt the consensus splice site are a relatively common cause of aberrant splicing (PMID: 17576681, 9536098). In summary, the available evidence is currently insufficient to determine the role of this variant in disease. Therefore, it has been classified as a Variant of Uncertain Significance.

Literature cited by the submitters: PubMed 17576681; PubMed 9536098.

NM_002907.4(RECQL):c.1447G>T (p.Ala483Ser)

Gene: RECQL (RecQ like helicase; minus strand). Cytogenetic location: 12p12.1.
Variant type: single nucleotide variant.
Coding change: c.1447G>T on transcript NM_002907.4 (MANE Select); coding-DNA position 1447, G replaced by T.
Protein change: p.Ala483Ser; replaces alanine 483 with serine.
Molecular consequence: missense variant.
Genome position (GRCh38, 1-based): chr12:21,473,551, C>A on the plus strand (G>T on the coding strand, the complement: RECQL is on the minus strand). VCF-style: chr12-21473551-C-A. GRCh37 (hg19) VCF-style: chr12-21626485-C-A.
Other names: c.1447G>T, p.Ala483Ser (NM_032941.3); short protein forms A483S.
Identifiers: ClinVar variation 3670502 (VCV003670502.2).
Genomic context (GRCh38, chr12:21,473,551, plus strand): 5'-TCTGTCACTAGGCATTATGACTGTATTAGCCTATAAAGGTTTACAAAACAACAAACTCAC[C>A]ACTGTCTTTACAGCAGTTATCGCACATTTTGTTACATGCTTCTGAGTTCCATACTTCATC-3'
Protein context (NP_002898.2, residues 473-493): KMCDNCCKDS[Ala483Ser]FERKNITEYC